The following is an entry in ClinVar:

NM_000059.4(BRCA2):c.8755-10A>G

Gene: BRCA2 (BRCA2 DNA repair associated; plus strand). Cytogenetic location: 13q13.1.
Variant type: single nucleotide variant.
Coding change: c.8755-10A>G on transcript NM_000059.4 (MANE Select); 10 bases into the intron before coding-DNA position 8755, A replaced by G.
Molecular consequence: intron variant.
Genome position (GRCh38, 1-based): chr13:32,379,307, A>G. VCF-style: chr13-32379307-A-G. GRCh37 (hg19) VCF-style: chr13-32953444-A-G.
Identifiers: ClinVar variation 644417 (VCV000644417.12), dbSNP rs1593936468, ClinGen allele CA915948606.

ClinVar aggregate classification (germline): Uncertain significance. Review status: criteria provided, multiple submitters, no conflicts (2 of 4 stars). 2 submissions from 2 submitters: Uncertain significance (2). Last evaluated 2025-04-22.

Conditions:
Hereditary cancer-predisposing syndrome. Also called: Neoplastic Syndromes, Hereditary; Tumor predisposition; Hereditary neoplastic syndrome; Hereditary Cancer Syndrome. Identifiers: Orphanet 140162, MedGen C0027672, MeSH D009386, MONDO:0015356.
Hereditary breast ovarian cancer syndrome. Also called: Hereditary breast and ovarian cancer; Hereditary breast and ovarian cancer syndrome; Hereditary breast and ovarian cancer syndrome (HBOC); Hereditary breast and/or ovarian cancer syndrome; Breast and ovarian cancer; BRCA1- and BRCA2-Associated Hereditary Breast and Ovarian Cancer. Identifiers: Orphanet 145, MedGen C0677776, MeSH D061325, MONDO:0003582. Disease mechanism: loss of function.

Allele frequency attached by ClinVar (database versions not stated): gnomAD exomes below 0.00001.
gnomAD v4.1: 1 of 1,613,272 alleles (0.000062%); highest among the groups gnomAD compares: Non-Finnish European, 0.000085%; no homozygotes.

Submissions (2):

Molecular Diagnostics Laboratory, Catalan Institute of Oncology
Classification: Uncertain significance for Hereditary cancer-predisposing syndrome. Last evaluated: 2025-04-22. Review status: criteria provided, single submitter. Criteria: ClinGen BRCA1BRCA2 ACMG Specifications BRCA2 V1.0.0. Collection method: clinical testing. Allele origin: germline.
Comment: PM2_Supporting, PP3 BRCA2 c.8755-10A>G is an intronic variant located close to a canonical splice site. It is not present in the population database gnomAD v2.1.1, non cancer dataset (PM2_supporting). The SpliceAI algorithm predicts the loss of the canonic splice acceptor site of intron 21 (deltascore: 0.62) and the creation of a novel splice acceptor site 1 bp upstream (deltascore: 0.96) (PP3). This alteration could generate the insertion of 9 nucleotides, predicted to cause an in-frame insertion of 3 amino acids (p.(Glu2918_Gly2919insTrpSerGln)). However, these predictions have not been confirmed by experimental studies. To our knowledge, neither multifactorial analysis nor relevant clinical data have been reported for this variant. In addition, it has been identified in the ClinVar database as uncertain significance, and BRCA Exchange database (not yet reviewed), but it is not present in the LOVD database. Based on the currently available information, c.8755-10A>G is classified as an uncertain significance variant according to ClinGen-BRCA2 Guidelines version 1.

Labcorp Genetics (formerly Invitae), Labcorp
Classification: Uncertain significance for Hereditary breast ovarian cancer syndrome. Last evaluated: 2022-08-23. Review status: criteria provided, single submitter. Criteria: Invitae Variant Classification Sherloc (09022015). Collection method: clinical testing. Allele origin: germline.
Comment: In summary, the available evidence is currently insufficient to determine the role of this variant in disease. Therefore, it has been classified as a Variant of Uncertain Significance. Algorithms developed to predict the effect of sequence changes on RNA splicing suggest that this variant may disrupt the consensus splice site. ClinVar contains an entry for this variant (Variation ID: 644417). This variant has not been reported in the literature in individuals affected with BRCA2-related conditions. This variant is not present in population databases (gnomAD no frequency). This sequence change falls in intron 21 of the BRCA2 gene. It does not directly change the encoded amino acid sequence of the BRCA2 protein.